The following is an entry in ClinVar:

NM_001042492.3(NF1):c.4252del (p.Ile1418fs)

Gene: NF1 (neurofibromin 1; plus strand). Cytogenetic location: 17q11.2.
Variant type: Deletion.
Coding change: c.4252del on transcript NM_001042492.3 (MANE Select); coding-DNA position 4252, one base deleted (A; older notation c.4252delA).
Protein change: p.Ile1418fs; shifts the reading frame from isoleucine 1418.
Molecular consequence: frameshift variant.
Genome position (GRCh38, 1-based): chr17:31,258,422, A deleted. VCF-style (leftmost placement, unchanged base first): chr17-31258421-CA-C. GRCh37 (hg19) VCF-style: chr17-29585439-CA-C.
Other names: c.4189delA, p.Ile1397Leufs (NM_000267.4); short protein forms I1397fs, I1418fs.
Identifiers: ClinVar variation 931537 (VCV000931537.3), dbSNP rs1783539066, ClinGen allele CA1139665369.

ClinVar aggregate classification (germline): Likely pathogenic (1 of 4 stars; one submission).

Conditions:
Neurofibromatosis, type 1 (NF1). Also called: VON RECKLINGHAUSEN DISEASE; Peripheral type neurofibromatosis; Neurofibromatosis, type I; NEUROFIBROMATOSIS, TYPE I, SOMATIC. Identifiers: Orphanet 636, MedGen C0027831, MONDO:0018975, OMIM 162200. Disease mechanism: loss of function.

Submission:

Centre for Mendelian Genomics, University Medical Centre Ljubljana
Classification: Likely pathogenic for Neurofibromatosis, type 1. Last evaluated: 2019-03-06. Review status: criteria provided, single submitter. Criteria: ACMG Guidelines, 2015. Collection method: clinical testing. Allele origin: unknown. Affected: yes.
Comment: This variant was classified as: Likely pathogenic. The following ACMG criteria were applied in classifying this variant: PVS1,PM2.